The following is an entry in ClinVar:

NM_001009999.3(KDM1A):c.1450C>A (p.Gln484Lys)

Gene: KDM1A (lysine demethylase 1A; plus strand). Cytogenetic location: 1p36.12.
Variant type: single nucleotide variant.
Coding change: c.1450C>A on transcript NM_001009999.3 (MANE Select); coding-DNA position 1450, C replaced by A.
Protein change: p.Gln484Lys; replaces glutamine 484 with lysine.
Molecular consequence: missense variant.
Genome position (GRCh38, 1-based): chr1:23,071,261, C>A. VCF-style: chr1-23071261-C-A. GRCh37 (hg19) VCF-style: chr1-23397754-C-A.
Other names: c.1378C>A, p.Gln460Lys (NM_001363654.2, NM_001410763.1, NM_015013.4); c.1438C>A, p.Gln480Lys (NM_001410762.1); short protein forms Q460K, Q480K, Q484K.
Identifiers: ClinVar variation 4622699 (VCV004622699.2).
Genomic context (GRCh38, chr1:23,071,261, plus strand): 5'-TAAATTTGTATTTTTCCTTCTTAGATGGTAAATTTGAAAGAGAAAATTAAAGAACTCCAT[C>A]AGCAATACAAAGAAGCATCTGAAGTAAAGCCACCCAGAGATATTACTGCCGAGTTCTTAG-3'
Protein context (NP_001009999.1, residues 474-494): NLKEKIKELH[Gln484Lys]QYKEASEVKP

ClinVar aggregate classification (germline): Conflicting classifications of pathogenicity. Review status: criteria provided, conflicting classifications (1 of 4 stars). 2 submissions from 2 submitters: Uncertain significance (1); Likely benign (1). Last evaluated 2025-11-08.

Conditions:
Inborn genetic diseases. Identifiers: MedGen C0950123, MeSH D030342.

Submissions (2):

Ambry Genetics
Classification: Uncertain significance for Inborn genetic diseases. Last evaluated: 2025-11-08. Review status: criteria provided, single submitter. Criteria: Ambry Variant Classification Scheme 2023. Collection method: clinical testing. Allele origin: germline.
Comment: The p.Q484K variant (also known as c.1450C>A), located in coding exon 13 of the KDM1A gene, results from a C to A substitution at nucleotide position 1450. The glutamine at codon 484 is replaced by lysine, an amino acid with similar properties. This amino acid position is conserved. In addition, this alteration is predicted to be tolerated by in silico analysis. Based on the available evidence, the clinical significance of this variant remains unclear.

Blueprint Genetics
Classification: Likely benign. Last evaluated: 2020-02-12. Review status: criteria provided, single submitter. Criteria: ACMG Guidelines, 2015. Collection method: clinical testing. Allele origin: germline.